The following is an entry in ClinVar:

ClinVar aggregate classification (germline): Uncertain significance (1 of 4 stars; one submission).

Conditions:
Early-infantile DEE. Also called: Early infantile epileptic encephalopathy with suppression bursts; Early infantile epileptic encephalopathy; Ohtahara syndrome. Identifiers: Orphanet 1934, MedGen C0393706, MONDO:0800491.

Submission:

Labcorp Genetics (formerly Invitae), Labcorp
Classification: Uncertain significance for Early-infantile DEE. Last evaluated: 2021-08-23. Review status: criteria provided, single submitter. Criteria: Invitae Variant Classification Sherloc (09022015). Collection method: clinical testing. Allele origin: germline.
Comment: Advanced modeling of protein sequence and biophysical properties (such as structural, functional, and spatial information, amino acid conservation, physicochemical variation, residue mobility, and thermodynamic stability) performed at Invitae indicates that this missense variant is not expected to disrupt KCNH5 protein function. In summary, the available evidence is currently insufficient to determine the role of this variant in disease. Therefore, it has been classified as a Variant of Uncertain Significance. This variant has not been reported in the literature in individuals affected with KCNH5-related conditions. This variant is not present in population databases (ExAC no frequency). This sequence change replaces valine with glycine at codon 768 of the KCNH5 protein (p.Val768Gly). The valine residue is moderately conserved and there is a moderate physicochemical difference between valine and glycine.

NM_139318.5(KCNH5):c.2303T>G (p.Val768Gly)

Gene: KCNH5 (potassium voltage-gated channel subfamily H member 5; minus strand). Cytogenetic location: 14q23.2.
Variant type: single nucleotide variant.
Coding change: c.2303T>G on transcript NM_139318.5 (MANE Select); coding-DNA position 2303, T replaced by G.
Protein change: p.Val768Gly; replaces valine 768 with glycine.
Molecular consequence: missense variant. On other transcripts: 3 prime UTR variant (1).
Genome position (GRCh38, 1-based): chr14:62,708,172, A>C on the plus strand (T>G on the coding strand, the complement: KCNH5 is on the minus strand). VCF-style: chr14-62708172-A-C. GRCh37 (hg19) VCF-style: chr14-63174890-A-C.
Other names: c.*270T>G (NM_172375.3); short protein forms V768G.
Identifiers: ClinVar variation 1377032 (VCV001377032.7), dbSNP rs2139899216, ClinGen allele CA390100910.